The following is an entry in ClinVar:

ClinVar aggregate classification (germline): Uncertain significance (1 of 4 stars; one submission).

Submission:

Labcorp Genetics (formerly Invitae), Labcorp
Classification: Uncertain significance. Last evaluated: 2023-02-26. Review status: criteria provided, single submitter. Criteria: Invitae Variant Classification Sherloc (09022015). Collection method: clinical testing. Allele origin: germline.
Comment: In summary, the available evidence is currently insufficient to determine the role of this variant in disease. Therefore, it has been classified as a Variant of Uncertain Significance. An algorithm developed to predict the effect of missense changes on protein structure and function (PolyPhen-2) suggests that this variant is likely to be disruptive. This variant has not been reported in the literature in individuals affected with MSN-related conditions. This variant is not present in population databases (gnomAD no frequency). This sequence change replaces isoleucine, which is neutral and non-polar, with methionine, which is neutral and non-polar, at codon 208 of the MSN protein (p.Ile208Met).

NM_002444.3(MSN):c.624C>G (p.Ile208Met)

Gene: MSN (moesin; plus strand). Cytogenetic location: Xq12.
Variant type: single nucleotide variant.
Coding change: c.624C>G on transcript NM_002444.3 (MANE Select); coding-DNA position 624, C replaced by G.
Protein change: p.Ile208Met; replaces isoleucine 208 with methionine.
Molecular consequence: missense variant.
Genome position (GRCh38, 1-based): chrX:65,731,910, C>G. VCF-style: chrX-65731910-C-G. GRCh37 (hg19) VCF-style: chrX-64951772-C-G.
Other names: short protein forms I208M.
Identifiers: ClinVar variation 2841021 (VCV002841021.3), dbSNP rs2523006197, ClinGen allele CA413416220.